The following is an entry in ClinVar:

NM_001384125.1(BLTP1):c.9009G>A (p.Met3003Ile)

Gene: BLTP1 (bridge-like lipid transfer protein family member 1; plus strand). Cytogenetic location: 4q27.
Variant type: single nucleotide variant.
Coding change: c.9009G>A on transcript NM_001384125.1 (MANE Select); coding-DNA position 9009, G replaced by A.
Protein change: p.Met3003Ile; replaces methionine 3003 with isoleucine.
Molecular consequence: missense variant.
Genome position (GRCh38, 1-based): chr4:122,281,746, G>A. VCF-style: chr4-122281746-G-A. GRCh37 (hg19) VCF-style: chr4-123202901-G-A.
Other names: c.9009G>A, p.Met3003Ile (NM_015312.4); short protein forms M3003I.
Identifiers: ClinVar variation 1302287 (VCV001302287.2), dbSNP rs2149331418, ClinGen allele CA358077335.

ClinVar aggregate classification (germline): Uncertain significance (1 of 4 stars; one submission).

Submission:

GeneDx
Classification: Uncertain significance. Last evaluated: 2019-07-08. Review status: criteria provided, single submitter. Criteria: GeneDx Variant Classification Process June 2021. Collection method: clinical testing. Allele origin: germline. Affected: yes.
Comment: Not observed in large population cohorts (Lek et al., 2016); In silico analysis, which includes protein predictors and evolutionary conservation, supports a deleterious effect; Has not been previously published as pathogenic or benign to our knowledge